The following is an entry in ClinVar:

NM_001204.7(BMPR2):c.2582A>G (p.Asn861Ser)

Gene: BMPR2 (bone morphogenetic protein receptor type 2; plus strand). Cytogenetic location: 2q33.2.
Variant type: single nucleotide variant.
Coding change: c.2582A>G on transcript NM_001204.7 (MANE Select); coding-DNA position 2582, A replaced by G.
Protein change: p.Asn861Ser; replaces asparagine 861 with serine.
Molecular consequence: missense variant.
Genome position (GRCh38, 1-based): chr2:202,556,247, A>G. VCF-style: chr2-202556247-A-G. GRCh37 (hg19) VCF-style: chr2-203420970-A-G.
Other names: short protein forms N861S.
Identifiers: ClinVar variation 4214399 (VCV004214399.1).

ClinVar aggregate classification (germline): Uncertain significance (1 of 4 stars; one submission).

Conditions:
Inborn genetic diseases. Identifiers: MedGen C0950123, MeSH D030342.

Submission:

Ambry Genetics
Classification: Uncertain significance for Inborn genetic diseases. Last evaluated: 2025-06-19. Review status: criteria provided, single submitter. Criteria: Ambry Variant Classification Scheme 2023. Collection method: clinical testing. Allele origin: germline.
Comment: The p.N861S variant (also known as c.2582A>G), located in coding exon 12 of the BMPR2 gene, results from an A to G substitution at nucleotide position 2582. The asparagine at codon 861 is replaced by serine, an amino acid with highly similar properties. This amino acid position is conserved. In addition, the in silico prediction for this alteration is inconclusive. Based on the available evidence, the clinical significance of this variant remains unclear.